The following is an entry in ClinVar:

ClinVar aggregate classification (germline): Uncertain significance (1 of 4 stars; one submission).

Conditions:
Neuroblastoma, susceptibility to, 3. Also called: ALK-Related Neuroblastic Tumor Susceptibility. Identifiers: Orphanet 635, MedGen C2751681, MONDO:0013083, OMIM 613014.

Submission:

Labcorp Genetics (formerly Invitae), Labcorp
Classification: Uncertain significance for Neuroblastoma, susceptibility to, 3. Last evaluated: 2018-02-08. Review status: criteria provided, single submitter. Criteria: Invitae Variant Classification Sherloc (09022015). Collection method: clinical testing. Allele origin: germline.
Comment: Algorithms developed to predict the effect of sequence changes on RNA splicing suggest that this variant may create or strengthen a splice site, but this prediction has not been confirmed by published transcriptional studies. In summary, the available evidence is currently insufficient to determine the role of this variant in disease. Therefore, it has been classified as a Variant of Uncertain Significance. This variant has not been reported in the literature in individuals with ALK-related disease. This variant is not present in population databases (ExAC no frequency). This sequence change falls in intron 14 of the ALK gene. It does not directly change the encoded amino acid sequence of the ALK protein.

NM_004304.5(ALK):c.2488-6G>C

Gene: ALK (ALK receptor tyrosine kinase; minus strand). Cytogenetic location: 2p23.2.
Variant type: single nucleotide variant.
Coding change: c.2488-6G>C on transcript NM_004304.5 (MANE Select); 6 bases into the intron before coding-DNA position 2488, G replaced by C.
Molecular consequence: intron variant.
Genome position (GRCh38, 1-based): chr2:29,232,454, C>G on the plus strand (G>C on the coding strand, the complement: ALK is on the minus strand). VCF-style: chr2-29232454-C-G. GRCh37 (hg19) VCF-style: chr2-29455320-C-G.
Identifiers: ClinVar variation 1004726 (VCV001004726.8), dbSNP rs1664242016, ClinGen allele CA1241095519.